The following is an entry in ClinVar:

NM_001260.3(CDK8):c.870dup (p.Cys291fs)

Gene: CDK8 (cyclin dependent kinase 8; plus strand). Cytogenetic location: 13q12.13.
Variant type: Duplication.
Coding change: c.870dup on transcript NM_001260.3 (MANE Select); coding-DNA position 870, one base duplicated (C; older notation c.870dupC).
Protein change: p.Cys291fs; shifts the reading frame from cysteine 291.
Molecular consequence: frameshift variant.
Genome position (GRCh38, 1-based): chr13:26,397,162, C duplicated. VCF-style (leftmost placement, unchanged base first): chr13-26397161-A-AC. GRCh37 (hg19) VCF-style: chr13-26971298-A-AC.
Other names: c.870dup, p.Cys291fs (NM_001318368.2); c.351dup, p.Cys118fs (NM_001346501.2); short protein forms C118fs, C291fs.
Identifiers: ClinVar variation 2446226 (VCV002446226.1), dbSNP rs2542445296, ClinGen allele CA2580086855.

ClinVar aggregate classification (germline): Uncertain significance (1 of 4 stars; one submission).

Submission:

GeneDx
Classification: Uncertain significance. Last evaluated: 2022-09-21. Review status: criteria provided, single submitter. Criteria: GeneDx Variant Classification Process June 2021. Collection method: clinical testing. Allele origin: germline. Affected: yes.
Comment: Frameshift variant predicted to result in protein truncation or nonsense mediated decay in a gene or region of a gene for which loss of function is not a well-established mechanism of disease; Not observed at significant frequency in large population cohorts (gnomAD); Has not been previously published as pathogenic or benign to our knowledge